The following is an entry in ClinVar:

NM_004629.2(FANCG):c.1501C>G (p.Gln501Glu)

Gene: FANCG (FA complementation group G; minus strand). Cytogenetic location: 9p13.3.
Variant type: single nucleotide variant.
Coding change: c.1501C>G on transcript NM_004629.2 (MANE Select); coding-DNA position 1501, C replaced by G.
Protein change: p.Gln501Glu; replaces glutamine 501 with glutamic acid.
Molecular consequence: missense variant.
Genome position (GRCh38, 1-based): chr9:35,075,062, G>C on the plus strand (C>G on the coding strand, the complement: FANCG is on the minus strand). VCF-style: chr9-35075062-G-C. GRCh37 (hg19) VCF-style: chr9-35075059-G-C.
Other names: short protein forms Q501E.
Identifiers: ClinVar variation 3512832 (VCV003512832.1).

ClinVar aggregate classification (germline): Uncertain significance (1 of 4 stars; one submission).

Conditions:
Inborn genetic diseases. Identifiers: MedGen C0950123, MeSH D030342.

gnomAD v4.1: 29 of 1,614,074 alleles (0.0018%); highest among the groups gnomAD compares: Non-Finnish European, 0.0025%; no homozygotes.

Submission:

Ambry Genetics
Classification: Uncertain significance for Inborn genetic diseases. Last evaluated: 2024-11-18. Review status: criteria provided, single submitter. Criteria: Ambry Variant Classification Scheme 2023. Collection method: clinical testing. Allele origin: germline.
Comment: The p.Q501E variant (also known as c.1501C>G), located in coding exon 12 of the FANCG gene, results from a C to G substitution at nucleotide position 1501. The glutamine at codon 501 is replaced by glutamic acid, an amino acid with highly similar properties. This amino acid position is conserved. In addition, this alteration is predicted to be tolerated by in silico analysis. Based on the available evidence, the clinical significance of this variant remains unclear.